The following is an entry in ClinVar:

ClinVar aggregate classification (germline): Pathogenic (1 of 4 stars; one submission).

Conditions:
Hypertrophic cardiomyopathy. Also called: HYPERTROPHIC MYOCARDIOPATHY. Identifiers: Orphanet 217569, MedGen C0007194, MeSH D002312, MONDO:0005045, HP:0001639.

Submission:

Labcorp Genetics (formerly Invitae), Labcorp
Classification: Pathogenic for Hypertrophic cardiomyopathy. Last evaluated: 2023-08-28. Review status: criteria provided, single submitter. Criteria: Invitae Variant Classification Sherloc (09022015). Collection method: clinical testing. Allele origin: germline.
Comment: This sequence change replaces glutamic acid, which is acidic and polar, with lysine, which is basic and polar, at codon 1350 of the MYH7 protein (p.Glu1350Lys). This variant is not present in population databases (gnomAD no frequency). This missense change has been observed in individual(s) with clinical features of MYH7-related conditions (PMID: 23054336, 27532257; Invitae). In at least one individual the variant was observed to be de novo. ClinVar contains an entry for this variant (Variation ID: 1407730). Advanced modeling of protein sequence and biophysical properties (such as structural, functional, and spatial information, amino acid conservation, physicochemical variation, residue mobility, and thermodynamic stability) performed at Invitae indicates that this missense variant is expected to disrupt MYH7 protein function. For these reasons, this variant has been classified as Pathogenic.

Literature cited by the submitters: PubMed 23054336; PubMed 27532257.

NM_000257.4(MYH7):c.4048G>A (p.Glu1350Lys)

Gene: MYH7 (myosin heavy chain 7; minus strand). Cytogenetic location: 14q11.2.
Variant type: single nucleotide variant.
Coding change: c.4048G>A on transcript NM_000257.4 (MANE Select); coding-DNA position 4048, G replaced by A.
Protein change: p.Glu1350Lys; replaces glutamic acid 1350 with lysine.
Molecular consequence: missense variant.
Genome position (GRCh38, 1-based): chr14:23,418,331, C>T on the plus strand (G>A on the coding strand, the complement: MYH7 is on the minus strand). VCF-style: chr14-23418331-C-T. GRCh37 (hg19) VCF-style: chr14-23887540-C-T.
Other names: short protein forms E1350K.
Identifiers: ClinVar variation 1407730 (VCV001407730.8), dbSNP rs1316692489, ClinGen allele CA389041112.